The following is an entry in ClinVar:

ClinVar aggregate classification (germline): Likely benign (1 of 4 stars; one submission).

Submission:

CeGaT Center for Human Genetics Tuebingen
Classification: Likely benign. Last evaluated: 2026-04-01. Review status: criteria provided, single submitter. Criteria: CeGaT Center For Human Genetics Tuebingen Variant Classification Criteria Version 2. Collection method: clinical testing. Allele origin: germline. Affected: yes. Observed: 1 variant allele.
Comment: AHNAK2: BP4, BP7

NM_138420.4(AHNAK2):c.5343C>T (p.Asp1781=)

Gene: AHNAK2 (AHNAK nucleoprotein 2; minus strand). Cytogenetic location: 14q32.33.
Variant type: single nucleotide variant.
Coding change: c.5343C>T on transcript NM_138420.4 (MANE Select); coding-DNA position 5343, C replaced by T.
Protein change: p.Asp1781=; no amino-acid change (aspartic acid 1781 retained).
Molecular consequence: synonymous variant.
Genome position (GRCh38, 1-based): chr14:104,950,108, G>A on the plus strand (C>T on the coding strand, the complement: AHNAK2 is on the minus strand). VCF-style: chr14-104950108-G-A. GRCh37 (hg19) VCF-style: chr14-105416445-G-A.
Other names: c.5043C>T, p.Asp1681= (NM_001350929.2).
Identifiers: ClinVar variation 4872743 (VCV004872743.2).